The following is an entry in ClinVar:

ClinVar aggregate classification (germline): Likely benign (0 of 4 stars; one submission).

Conditions:
SPART-related disorder. Also called: SPART-related condition.

Submission:

PreventionGenetics, part of Exact Sciences
Classification: Likely benign for SPART-related condition. Last evaluated: 2019-09-18. Review status: no assertion criteria provided. Collection method: clinical testing. Allele origin: germline.
Comment: This variant is classified as likely benign based on ACMG/AMP sequence variant interpretation guidelines (Richards et al. 2015 PMID: 25741868, with internal and published modifications).

NM_015087.5(SPART):c.1557A>G (p.Lys519=)

Gene: SPART (spartin; minus strand). Cytogenetic location: 13q13.3.
Variant type: single nucleotide variant.
Coding change: c.1557A>G on transcript NM_015087.5 (MANE Select); coding-DNA position 1557, A replaced by G.
Protein change: p.Lys519=; no amino-acid change (lysine 519 retained).
Molecular consequence: synonymous variant.
Genome position (GRCh38, 1-based): chr13:36,312,404, T>C on the plus strand (A>G on the coding strand, the complement: SPART is on the minus strand). VCF-style: chr13-36312404-T-C. GRCh37 (hg19) VCF-style: chr13-36886541-T-C.
Other names: c.1557A>G, p.Lys519= (NM_001142294.2, NM_001142295.2, NM_001142296.2).
Identifiers: ClinVar variation 3355293 (VCV003355293.1).
Genomic context (GRCh38, chr13:36,312,404, plus strand): 5'-CATAGCACCATCCAGAGGAGATTTCCCATCTTTGTCTTTTTTAAGAGATTCTGGAACAAG[T>C]TTGCTTCCATGCTTCTTGACATGTGGAGCTAGTTCTTTTCCAACGCAATTTGCTACAGTG-3'
Protein context (NP_055902.1, residues 509-529): LAPHVKKHGS[Lys519=]LVPESLKKDK